The following is an entry in ClinVar:

ClinVar aggregate classification (germline): Pathogenic (1 of 4 stars; one submission).

Conditions:
Muscular dystrophy-dystroglycanopathy (congenital with impaired intellectual development), type B, 2. Also called: MUSCULAR DYSTROPHY, CONGENITAL, POMT2-RELATED; Muscular dystrophy-dystroglycanopathy (congenital with intellectual disability), type B2. Identifiers: MedGen C3150416, MONDO:0013160, OMIM 613156.
Muscular dystrophy-dystroglycanopathy (congenital with brain and eye anomalies), type A2. Also called: MUSCULAR DYSTROPHY-DYSTROGLYCANOPATHY (CONGENITAL WITH BRAIN AND EYE ANOMALIES), TYPE A, 2; WALKER-WARBURG SYNDROME OR MUSCLE-EYE-BRAIN DISEASE, POMT2-RELATED. Identifiers: Orphanet 588, Orphanet 899, MedGen C3150411, MONDO:0013154, OMIM 613150.
Autosomal recessive limb-girdle muscular dystrophy type 2N. Also called: MUSCULAR DYSTROPHY-DYSTROGLYCANOPATHY, LIMB-GIRDLE, POMT2-RELATED; Muscular dystrophy-dystroglycanopathy (limb-girdle), type C, 2. Identifiers: Orphanet 206559, MedGen C3150418, MONDO:0013162, OMIM 613158.

Submission:

Labcorp Genetics (formerly Invitae), Labcorp
Classification: Pathogenic for Muscular dystrophy-dystroglycanopathy (congenital with impaired intellectual development), type B, 2; Muscular dystrophy-dystroglycanopathy (congenital with brain and eye anomalies), type A2; Autosomal recessive limb-girdle muscular dystrophy type 2N. Last evaluated: 2023-11-08. Review status: criteria provided, single submitter. Criteria: Invitae Variant Classification Sherloc (09022015). Collection method: clinical testing. Allele origin: germline.
Comment: This sequence change results in a frameshift in the POMT2 gene (p.Val643Thrfs*131). While this is not anticipated to result in nonsense mediated decay, it is expected to disrupt the last 108 amino acid(s) of the POMT2 protein and extend the protein by 22 additional amino acid residues. This variant is not present in population databases (gnomAD no frequency). This variant has not been reported in the literature in individuals affected with POMT2-related conditions. This variant disrupts a region of the POMT2 protein in which other variant(s) (p.Trp748Arg) have been determined to be pathogenic (PMID: 17634419, 17869517). This suggests that this is a clinically significant region of the protein, and that variants that disrupt it are likely to be disease-causing. For these reasons, this variant has been classified as Pathogenic.

Literature cited by the submitters: PubMed 17634419; PubMed 17869517.

NM_013382.7(POMT2):c.1927_1943del (p.Val643fs)

Gene: POMT2 (protein O-mannosyltransferase 2; minus strand). Cytogenetic location: 14q24.3.
Variant type: Deletion.
Coding change: c.1927_1943del on transcript NM_013382.7 (MANE Select); coding-DNA positions 1927 to 1943, 17 bases deleted (GTCCTGCTCGGCTGGAC).
Protein change: p.Val643fs; shifts the reading frame from valine 643.
Molecular consequence: frameshift variant.
Genome position (GRCh38, 1-based): chr14:77,278,818-77,278,834, GTCCAGCCGAGCAGGAC deleted on the plus strand (GTCCTGCTCGGCTGGAC on the coding strand, the reverse complement: POMT2 is on the minus strand). VCF-style (leftmost placement, unchanged base first): chr14-77278817-TGTCCAGCCGAGCAGGAC-T. GRCh37 (hg19) VCF-style: chr14-77745160-TGTCCAGCCGAGCAGGAC-T.
Other names: short protein forms V643fs.
Identifiers: ClinVar variation 2923579 (VCV002923579.3), dbSNP rs2503155838, ClinGen allele CA2740097135.
Genomic context (GRCh38, chr14:77,278,817, plus strand): 5'-TGGGAAGTAGTGGTGGAAGTAGAGGACCCGGCCCATCAGGAAAAACGGGAAGTAATGGAG[TGTCCAGCCGAGCAGGAC>T]CTGGCCGCCTCCTCGAAGCAGGACCTGGGACAACCCTGGGCCCAAGCAGCACAGCCCAGT-3'